The following is an entry in ClinVar:

ClinVar aggregate classification (germline): Uncertain significance (1 of 4 stars; one submission).

Submission:

Ambry Genetics
Classification: Uncertain significance. Last evaluated: 2023-09-01. Review status: criteria provided, single submitter. Criteria: Ambry Variant Classification Scheme 2023. Collection method: clinical testing. Allele origin: germline.
Comment: The p.H1906Y variant (also known as c.5716C>T), located in coding exon 8 of the ALPK2 gene, results from a C to T substitution at nucleotide position 5716. The histidine at codon 1906 is replaced by tyrosine, an amino acid with similar properties. This amino acid position is conserved. In addition, this alteration is predicted to be tolerated by in silico analysis. Since supporting evidence is limited at this time, the clinical significance of this alteration remains unclear.

NM_052947.4(ALPK2):c.5716C>T (p.His1906Tyr)

Gene: ALPK2 (alpha kinase 2; minus strand). Cytogenetic location: 18q21.31.
Variant type: single nucleotide variant.
Coding change: c.5716C>T on transcript NM_052947.4 (MANE Select); coding-DNA position 5716, C replaced by T.
Protein change: p.His1906Tyr; replaces histidine 1906 with tyrosine.
Molecular consequence: missense variant.
Genome position (GRCh38, 1-based): chr18:58,517,132, G>A on the plus strand (C>T on the coding strand, the complement: ALPK2 is on the minus strand). VCF-style: chr18-58517132-G-A. GRCh37 (hg19) VCF-style: chr18-56184364-G-A.
Other names: short protein forms H1906Y.
Identifiers: ClinVar variation 2626040 (VCV002626040.2), dbSNP rs2518862980, ClinGen allele CA402549155.
Genomic context (GRCh38, chr18:58,517,132, plus strand): 5'-CAAAGTGCAGCTCCTCCGTGGCGATCTGACCACGCAGGCGGCCCCCAAAGTAGCTGTCAT[G>A]GAGGAAGTCTTCTTTGAAGATGAGTTGGCTGAATTCAATCTCTTCACATCCTGAAACACA-3'
Protein context (NP_443179.3, residues 1896-1916): SQLIFKEDFL[His1906Tyr]DSYFGGRLRG